The following is an entry in ClinVar:

NM_152743.4(BRAT1):c.304C>T (p.Leu102Phe)

Gene: BRAT1 (BRCA1 associated ATM activator 1; minus strand). Cytogenetic location: 7p22.3.
Variant type: single nucleotide variant.
Coding change: c.304C>T on transcript NM_152743.4 (MANE Select); coding-DNA position 304, C replaced by T.
Protein change: p.Leu102Phe; replaces leucine 102 with phenylalanine.
Molecular consequence: missense variant. On other transcripts: non-coding transcript variant (1), intron variant (1).
Genome position (GRCh38, 1-based): chr7:2,545,035, G>A on the plus strand (C>T on the coding strand, the complement: BRAT1 is on the minus strand). VCF-style: chr7-2545035-G-A. GRCh37 (hg19) VCF-style: chr7-2584669-G-A.
Other names: c.304C>T, p.Leu102Phe (NM_001350626.2); c.-95-1073C>T (NM_001350627.2); short protein forms L102F.
Identifiers: ClinVar variation 1407209 (VCV001407209.5), dbSNP rs745434002, ClinGen allele CA4128242.

ClinVar aggregate classification (germline): Uncertain significance (1 of 4 stars; one submission).

Conditions:
Neonatal-onset encephalopathy with rigidity and seizures. Also called: Lethal neonatal spasticity-epileptic encephalopathy syndrome. Identifiers: Orphanet 435845, MedGen C3281029, MONDO:0013784, OMIM 614498.

Allele frequency attached by ClinVar (database versions not stated): gnomAD exomes below 0.00001 and 0.00002; gnomAD 0.00001; TOPMed 0.00002; ExAC 0.00004.

Submission:

Labcorp Genetics (formerly Invitae), Labcorp
Classification: Uncertain significance for Neonatal-onset encephalopathy with rigidity and seizures. Last evaluated: 2024-03-07. Review status: criteria provided, single submitter. Criteria: Invitae Variant Classification Sherloc (09022015). Collection method: clinical testing. Allele origin: germline.
Comment: This sequence change replaces leucine, which is neutral and non-polar, with phenylalanine, which is neutral and non-polar, at codon 102 of the BRAT1 protein (p.Leu102Phe). This variant is present in population databases (rs745434002, gnomAD 0.004%). This variant has not been reported in the literature in individuals affected with BRAT1-related conditions. ClinVar contains an entry for this variant (Variation ID: 1407209). Advanced modeling of protein sequence and biophysical properties (such as structural, functional, and spatial information, amino acid conservation, physicochemical variation, residue mobility, and thermodynamic stability) performed at Invitae indicates that this missense variant is expected to disrupt BRAT1 protein function with a positive predictive value of 80%. In summary, the available evidence is currently insufficient to determine the role of this variant in disease. Therefore, it has been classified as a Variant of Uncertain Significance.